The following is an entry in ClinVar:

ClinVar aggregate classification (germline): Uncertain significance (1 of 4 stars; one submission).

Conditions:
Idiopathic generalized epilepsy. Also called: EIG; Generalised epilepsy. Identifiers: MedGen C0270850, MONDO:0005579, OMIM 600669.

gnomAD v4.1: 2 of 1,612,372 alleles (0.00012%); highest among the groups gnomAD compares: African/African-American, 0.0027%; no homozygotes.

Submission:

Labcorp Genetics (formerly Invitae), Labcorp
Classification: Uncertain significance for Idiopathic generalized epilepsy. Last evaluated: 2025-05-17. Review status: criteria provided, single submitter. Criteria: Invitae Variant Classification Sherloc (09022015). Collection method: clinical testing. Allele origin: germline.
Comment: This sequence change replaces aspartic acid, which is acidic and polar, with glutamic acid, which is acidic and polar, at codon 207 of the GABRD protein (p.Asp207Glu). This variant is present in population databases (no rsID available, gnomAD 0.01%). This variant has not been reported in the literature in individuals affected with GABRD-related conditions. An algorithm developed to predict the effect of missense changes on protein structure and function (PolyPhen-2) suggests that this variant is likely to be disruptive. In summary, the available evidence is currently insufficient to determine the role of this variant in disease. Therefore, it has been classified as a Variant of Uncertain Significance.

NM_000815.5(GABRD):c.621C>A (p.Asp207Glu)

Gene: GABRD (gamma-aminobutyric acid type A receptor subunit delta; plus strand). Cytogenetic location: 1p36.33.
Variant type: single nucleotide variant.
Coding change: c.621C>A on transcript NM_000815.5 (MANE Select); coding-DNA position 621, C replaced by A.
Protein change: p.Asp207Glu; replaces aspartic acid 207 with glutamic acid.
Molecular consequence: missense variant.
Genome position (GRCh38, 1-based): chr1:2,028,222, C>A. VCF-style: chr1-2028222-C-A. GRCh37 (hg19) VCF-style: chr1-1959661-C-A.
Other names: short protein forms D207E.
Identifiers: ClinVar variation 4798366 (VCV004798366.1).